The following is an entry in ClinVar:

ClinVar aggregate classification (germline): Uncertain significance (1 of 4 stars; one submission).

Conditions:
Sclerosteosis 2 (SOST2). Identifiers: Orphanet 3152, MedGen C3280402, MONDO:0013679, OMIM 614305.
Congenital myasthenic syndrome 17. Identifiers: Orphanet 590, MedGen C4225377, MONDO:0014578, OMIM 616304.
Cenani-Lenz syndactyly syndrome. Also called: SYNDACTYLY, TYPE VII; CENANI SYNDACTYLISM. Identifiers: Orphanet 3258, MedGen C1859309, MONDO:0008931, OMIM 212780.

Allele frequency attached by ClinVar (database versions not stated): gnomAD exomes below 0.00001.

Submission:

Labcorp Genetics (formerly Invitae), Labcorp
Classification: Uncertain significance for Cenani-Lenz syndactyly syndrome; Sclerosteosis 2; Congenital myasthenic syndrome 17. Last evaluated: 2022-06-20. Review status: criteria provided, single submitter. Criteria: Invitae Variant Classification Sherloc (09022015). Collection method: clinical testing. Allele origin: germline.
Comment: Algorithms developed to predict the effect of missense changes on protein structure and function output the following: SIFT: "Tolerated"; PolyPhen-2: "Benign"; Align-GVGD: "Class C0". The threonine amino acid residue is found in multiple mammalian species, which suggests that this missense change does not adversely affect protein function. This sequence change replaces methionine, which is neutral and non-polar, with threonine, which is neutral and polar, at codon 1664 of the LRP4 protein (p.Met1664Thr). This variant is not present in population databases (gnomAD no frequency). This variant has not been reported in the literature in individuals affected with LRP4-related conditions. ClinVar contains an entry for this variant (Variation ID: 933428). In summary, the available evidence is currently insufficient to determine the role of this variant in disease. Therefore, it has been classified as a Variant of Uncertain Significance.

NM_002334.4(LRP4):c.4991T>C (p.Met1664Thr)

Genes: LRP4 (LDL receptor related protein 4; minus strand), LRP4-AS1 (LRP4 antisense RNA 1; plus strand). Cytogenetic location: 11p11.2.
Variant type: single nucleotide variant.
Coding change: c.4991T>C on transcript NM_002334.4 (MANE Select); coding-DNA position 4991, T replaced by C.
Protein change: p.Met1664Thr; replaces methionine 1664 with threonine.
Molecular consequence: missense variant.
Genome position (GRCh38, 1-based): chr11:46,868,075, A>G on the plus strand (T>C on the coding strand, the complement: LRP4 is on the minus strand). VCF-style: chr11-46868075-A-G. GRCh37 (hg19) VCF-style: chr11-46889626-A-G.
Other names: short protein forms M1664T.
Identifiers: ClinVar variation 933428 (VCV000933428.7), dbSNP rs747440221, ClinGen allele CA380263097.